The following is an entry in ClinVar:

ClinVar aggregate classification (germline): Uncertain significance. Review status: criteria provided, multiple submitters, no conflicts (2 of 4 stars). 2 submissions from 2 submitters: Uncertain significance (2). Last evaluated 2025-10-08.

Conditions:
Loeys-Dietz syndrome 4 (LDS4). Also called: ANEURYSM, AORTIC AND CEREBRAL, WITH ARTERIAL TORTUOSITY AND SKELETAL MANIFESTATIONS; TGFB2-Related Loeys-Dietz Syndrome. Identifiers: MedGen C3553762, MONDO:0013897, OMIM 614816.

gnomAD v4.1: 5 of 1,609,848 alleles (0.00031%); highest among the groups gnomAD compares: Non-Finnish European, 0.00042%; no homozygotes.

Submissions (2):

Mayo Clinic Laboratories, Mayo Clinic
Classification: Uncertain significance. Last evaluated: 2025-10-08. Review status: criteria provided, single submitter. Criteria: ACMG Guidelines, 2015. Collection method: clinical testing. Allele origin: germline. Observed: 1 variant allele.
Comment: PM2_supporting

Labcorp Genetics (formerly Invitae), Labcorp
Classification: Uncertain significance for Loeys-Dietz syndrome 4. Last evaluated: 2024-08-29. Review status: criteria provided, single submitter. Criteria: Invitae Variant Classification Sherloc (09022015). Collection method: clinical testing. Allele origin: germline.
Comment: This sequence change replaces serine, which is neutral and polar, with glycine, which is neutral and non-polar, at codon 365 of the TGFB2 protein (p.Ser365Gly). This variant is not present in population databases (gnomAD no frequency). This variant has not been reported in the literature in individuals affected with TGFB2-related conditions. Invitae Evidence Modeling of protein sequence and biophysical properties (such as structural, functional, and spatial information, amino acid conservation, physicochemical variation, residue mobility, and thermodynamic stability) indicates that this missense variant is not expected to disrupt TGFB2 protein function with a negative predictive value of 80%. In summary, the available evidence is currently insufficient to determine the role of this variant in disease. Therefore, it has been classified as a Variant of Uncertain Significance.

NM_003238.6(TGFB2):c.1093A>G (p.Ser365Gly)

Gene: TGFB2 (transforming growth factor beta 2; plus strand). Cytogenetic location: 1q41.
Variant type: single nucleotide variant.
Coding change: c.1093A>G on transcript NM_003238.6 (MANE Select); coding-DNA position 1093, A replaced by G.
Protein change: p.Ser365Gly; replaces serine 365 with glycine.
Molecular consequence: missense variant. On other transcripts: non-coding transcript variant (2).
Genome position (GRCh38, 1-based): chr1:218,441,210, A>G. VCF-style: chr1-218441210-A-G. GRCh37 (hg19) VCF-style: chr1-218614552-A-G.
Other names: p.Ser365Gly; c.1177A>G, p.Ser393Gly (NM_001135599.4); short protein forms S365G, S393G.
Identifiers: ClinVar variation 3700643 (VCV003700643.3).